The following is an entry in ClinVar:

NM_006612.6(KIF1C):c.2512G>A (p.Asp838Asn)

Gene: KIF1C (kinesin family member 1C; plus strand). Cytogenetic location: 17p13.2.
Variant type: single nucleotide variant.
Coding change: c.2512G>A on transcript NM_006612.6 (MANE Select); coding-DNA position 2512, G replaced by A.
Protein change: p.Asp838Asn; replaces aspartic acid 838 with asparagine.
Molecular consequence: missense variant.
Genome position (GRCh38, 1-based): chr17:5,022,593, G>A. VCF-style: chr17-5022593-G-A. GRCh37 (hg19) VCF-style: chr17-4925888-G-A.
Other names: short protein forms D838N.
Identifiers: ClinVar variation 4688463 (VCV004688463.1).

ClinVar aggregate classification (germline): Uncertain significance (1 of 4 stars; one submission).

gnomAD v4.1: 82 of 1,603,440 alleles (0.0051%); highest among the groups gnomAD compares: African/African-American, 0.096%; no homozygotes.

Submission:

Women's Health and Genetics/Laboratory Corporation of America, LabCorp
Classification: Uncertain significance. Last evaluated: 2025-12-09. Review status: criteria provided, single submitter. Criteria: LabCorp Variant Classification Summary - May 2015. Collection method: clinical testing. Allele origin: germline.
Comment: Variant summary: KIF1C c.2512G>A (p.Asp838Asn) results in a conservative amino acid change in the encoded protein sequence. Algorithms developed to predict the effect of missense changes on protein structure and function are either unavailable or do not agree on the potential impact of this missense change. The variant allele was found at a frequency of 5.6e-05 in 231468 control chromosomes. This frequency is not significantly higher than estimated for disease-causing variants in KIF1C, allowing no conclusion about variant significance. To our knowledge, no occurrence of c.2512G>A in individuals affected with KIF1C-related conditions and no experimental evidence demonstrating its impact on protein function have been reported. No submitters have cited clinical-significance assessments for this variant to ClinVar. Based on the evidence outlined above, the variant was classified as uncertain significance.